The following is an entry in ClinVar:

ClinVar aggregate classification (germline): Pathogenic (1 of 4 stars; one submission).

Conditions:
Medium-chain acyl-coenzyme A dehydrogenase deficiency (ACADMD). Also called: Medium chain acyl-CoA dehydrogenase deficiency; CARNITINE DEFICIENCY SECONDARY TO MEDIUM-CHAIN ACYL-CoA DEHYDROGENASE DEFICIENCY; MCADD; ACADM DEFICIENCY; MCADH DEFICIENCY; MCAD Deficiency. Identifiers: Orphanet 42, MedGen C0220710, MONDO:0008721, OMIM 201450.

Submission:

Labcorp Genetics (formerly Invitae), Labcorp
Classification: Pathogenic for Medium-chain acyl-coenzyme A dehydrogenase deficiency. Last evaluated: 2021-04-23. Review status: criteria provided, single submitter. Criteria: Invitae Variant Classification Sherloc (09022015). Collection method: clinical testing. Allele origin: germline.
Comment: For these reasons, this variant has been classified as Pathogenic. Disruption of the initiator codon has been observed in individual(s) with medium-chain acyl-coenzyme A dehydrogenase deficiency (PMID: 23028790, 30675864). In at least one individual the data is consistent with the variant being in trans (on the opposite chromosome) from a pathogenic variant. This variant is not present in population databases (ExAC no frequency). This sequence change affects the initiator methionine of the ACADM mRNA. The next in-frame methionine is located at codon 87.

Literature cited by the submitters: PubMed 23028790; PubMed 30675864.

NM_000016.6(ACADM):c.1A>T (p.Met1Leu)

Gene: ACADM (acyl-CoA dehydrogenase medium chain; plus strand). Cytogenetic location: 1p31.1.
Variant type: single nucleotide variant.
Coding change: c.1A>T on transcript NM_000016.6 (MANE Select); coding-DNA position 1, A replaced by T.
Protein change: p.Met1Leu; changes the start codon (methionine 1).
Molecular consequence: missense variant, initiator codon variant. On other transcripts: 5 prime UTR variant (2).
Genome position (GRCh38, 1-based): chr1:75,724,788, A>T. VCF-style: chr1-75724788-A-T. GRCh37 (hg19) VCF-style: chr1-76190473-A-T.
Other names: c.1A>T, p.Met1Leu (NM_001127328.3, NM_001286043.2); c.-20A>T (NM_001286042.2); c.-297A>T (NM_001286044.2); short protein forms M1L.
Identifiers: ClinVar variation 1428164 (VCV001428164.8), dbSNP rs1057516778, ClinGen allele CA340805650.